The following is an entry in ClinVar:

NM_206933.4(USH2A):c.5857+1G>C

Genes: USH2A (usherin; minus strand), USH2A-AS2 (USH2A antisense RNA 2; plus strand). Cytogenetic location: 1q41.
Variant type: single nucleotide variant.
Coding change: c.5857+1G>C on transcript NM_206933.4 (MANE Select); the canonical splice donor site of the intron after coding-DNA position 5857, G replaced by C.
Molecular consequence: splice donor variant.
Genome position (GRCh38, 1-based): chr1:216,072,888, C>G on the plus strand (G>C on the coding strand, the complement: USH2A is on the minus strand). VCF-style: chr1-216072888-C-G. GRCh37 (hg19) VCF-style: chr1-216246230-C-G.
Identifiers: ClinVar variation 866716 (VCV000866716.10), dbSNP rs2031604509, ClinGen allele CA344853727.

ClinVar aggregate classification (germline): Pathogenic/Likely pathogenic. Review status: criteria provided, multiple submitters, no conflicts (2 of 4 stars). 4 submissions from 4 submitters: Pathogenic (3); Likely pathogenic (1). Last evaluated 2023-10-02.

Conditions:
USH2A-related disorder. Also called: USH2A-related condition; USH2A-related disorders. Identifiers: MedGen CN239332.
Retinitis pigmentosa 39 (RP39). Identifiers: Orphanet 791, MedGen C3151138, MONDO:0013436, OMIM 613809.

Submissions (4):

Baylor Genetics
Classification: Pathogenic for Retinitis pigmentosa 39. Last evaluated: 2023-10-02. Review status: criteria provided, single submitter. Criteria: ACMG Guidelines, 2015. Collection method: clinical testing. Allele origin: unknown.

Genome-Nilou Lab
Classification: Likely pathogenic for Retinitis pigmentosa 39. Last evaluated: 2023-04-11. Review status: criteria provided, single submitter. Criteria: ACMG Guidelines, 2015. Collection method: clinical testing. Allele origin: germline. Affected: no.

Blueprint Genetics
Classification: Pathogenic for USH2A-related disorders. Last evaluated: 2022-09-07. Review status: criteria provided, single submitter. Criteria: ACMG Guidelines, 2015. Collection method: clinical testing. Allele origin: germline. Affected: yes. Observed: 2 variant alleles.

Labcorp Genetics (formerly Invitae), Labcorp
Classification: Pathogenic. Last evaluated: 2021-07-01. Review status: criteria provided, single submitter. Criteria: Invitae Variant Classification Sherloc (09022015). Collection method: clinical testing. Allele origin: germline.
Comment: This sequence change affects a donor splice site in intron 29 of the USH2A gene. It is expected to disrupt RNA splicing. Variants that disrupt the donor or acceptor splice site typically lead to a loss of protein function (PMID: 16199547), and loss-of-function variants in USH2A are known to be pathogenic (PMID: 10729113, 10909849, 20507924, 25649381). This variant is not present in population databases (ExAC no frequency). Disruption of this splice site has been observed in individuals with Usher syndrome and inherited retinal dystrophy (PMID: 18641288; Invitae). This variant is also known as IVS29+1G>C. ClinVar contains an entry for this variant (Variation ID: 866716). For these reasons, this variant has been classified as Pathogenic. Algorithms developed to predict the effect of sequence changes on RNA splicing suggest that this variant may disrupt the consensus splice site.

Literature cited by the submitters: PubMed 16199547 (cited by Labcorp Genetics (formerly Invitae), Labcorp); PubMed 10729113 (cited by Labcorp Genetics (formerly Invitae), Labcorp); PubMed 10909849 (cited by Labcorp Genetics (formerly Invitae), Labcorp); PubMed 20507924 (cited by Labcorp Genetics (formerly Invitae), Labcorp); PubMed 25649381 (cited by Labcorp Genetics (formerly Invitae), Labcorp); PubMed 18641288 (cited by Labcorp Genetics (formerly Invitae), Labcorp).